The following is an entry in ClinVar:

ClinVar aggregate classification (germline): Uncertain significance (1 of 4 stars; one submission).

Conditions:
Hereditary breast ovarian cancer syndrome. Also called: Hereditary breast and ovarian cancer; Hereditary breast and ovarian cancer syndrome (HBOC); Breast and ovarian cancer; Hereditary breast and/or ovarian cancer syndrome; BRCA1- and BRCA2-Associated Hereditary Breast and Ovarian Cancer; Hereditary breast and ovarian cancer syndrome. Identifiers: Orphanet 145, MedGen C0677776, MeSH D061325, MONDO:0003582. Disease mechanism: loss of function.

Submissions (2):

Labcorp Genetics (formerly Invitae), Labcorp
Classification: Uncertain significance for Hereditary breast ovarian cancer syndrome. Last evaluated: 2024-08-20. Review status: criteria provided, single submitter. Criteria: Invitae Variant Classification Sherloc (09022015). Collection method: clinical testing. Allele origin: germline.
Comment: This sequence change replaces glycine, which is neutral and non-polar, with arginine, which is basic and polar, at codon 1710 of the BRCA1 protein (p.Gly1710Arg). This variant is not present in population databases (gnomAD no frequency). This variant has not been reported in the literature in individuals affected with BRCA1-related conditions. ClinVar contains an entry for this variant (Variation ID: 868692). Invitae Evidence Modeling incorporating data from in vitro experimental studies (PMID: 30209399) indicates that this missense variant is not expected to disrupt BRCA1 function with a negative predictive value of 95%. In summary, the available evidence is currently insufficient to determine the role of this variant in disease. Therefore, it has been classified as a Variant of Uncertain Significance.

Brotman Baty Institute, University of Washington
No classification provided (evidence only). Condition: Breast-ovarian cancer, familial 1. Review status: no classification provided. Collection method: in vitro. Allele origin: not applicable. Functional consequence: functionally_normal. Not counted in ClinVar's aggregate classification.
ClinVar note: "not provided" was previously submitted as the classification for the variant. However, the classification appeared to be based only on an observation of functional data so it was converted to no classification on 2025-07-30.

Literature cited by the submitters: PubMed 30209399 (cited by Labcorp Genetics (formerly Invitae), Labcorp).

NM_007294.4(BRCA1):c.5128G>C (p.Gly1710Arg)

Gene: BRCA1 (BRCA1 DNA repair associated; minus strand). Cytogenetic location: 17q21.31.
Variant type: single nucleotide variant.
Coding change: c.5128G>C on transcript NM_007294.4 (MANE Select); coding-DNA position 5128, G replaced by C.
Protein change: p.Gly1710Arg; replaces glycine 1710 with arginine.
Molecular consequence: missense variant. On other transcripts: non-coding transcript variant (1).
Genome position (GRCh38, 1-based): chr17:43,063,898, C>G on the plus strand (G>C on the coding strand, the complement: BRCA1 is on the minus strand). VCF-style: chr17-43063898-C-G. GRCh37 (hg19) VCF-style: chr17-41215915-C-G.
Other names: c.4915G>C, p.Gly1639Arg (NM_001407571.1, NM_001407894.1, NM_001407895.1 and 12 more transcripts); c.5194G>C, p.Gly1732Arg (NM_001407581.1, NM_001407582.1); c.5191G>C, p.Gly1731Arg (NM_001407583.1, NM_001407585.1, NM_001407587.1 and 1 more transcripts); c.5188G>C, p.Gly1730Arg (NM_001407590.1, NM_001407591.1); c.5128G>C, p.Gly1710Arg (NM_001407593.1, NM_001407594.1, NM_001407596.1 and 7 more transcripts); c.5125G>C, p.Gly1709Arg (NM_001407618.1, NM_001407619.1, NM_001407620.1 and 17 more transcripts); c.5122G>C, p.Gly1708Arg (NM_001407637.1, NM_001407638.1, NM_001407639.1 and 14 more transcripts); c.5119G>C, p.Gly1707Arg (NM_001407644.1, NM_001407645.1); and 71 more; short protein forms G1731R, G606R, G1663R, G1710R, G1581R, G1582R, G1621R, G1622R.
Identifiers: ClinVar variation 868692 (VCV000868692.5), dbSNP rs397509229, ClinGen allele CA10591285.